The following is an entry in ClinVar:

NM_015164.4(PLEKHM2):c.1384A>T (p.Met462Leu)

Gene: PLEKHM2 (pleckstrin homology and RUN domain containing M2; plus strand). Cytogenetic location: 1p36.21.
Variant type: single nucleotide variant.
Coding change: c.1384A>T on transcript NM_015164.4 (MANE Select); coding-DNA position 1384, A replaced by T.
Protein change: p.Met462Leu; replaces methionine 462 with leucine.
Molecular consequence: missense variant.
Genome position (GRCh38, 1-based): chr1:15,727,456, A>T. VCF-style: chr1-15727456-A-T. GRCh37 (hg19) VCF-style: chr1-16053951-A-T.
Other names: c.1324A>T, p.Met442Leu (NM_001410755.1); short protein forms M442L, M462L.
Identifiers: ClinVar variation 1935070 (VCV001935070.6), dbSNP rs375612582, ClinGen allele CA338586990.

ClinVar aggregate classification (germline): Uncertain significance. Review status: criteria provided, multiple submitters, no conflicts (2 of 4 stars). 2 submissions from 2 submitters: Uncertain significance (2). Last evaluated 2022-09-06.

Allele frequency attached by ClinVar (database versions not stated): gnomAD 0.00001.
gnomAD v4.1: 7 of 1,604,590 alleles (0.00044%); highest among the groups gnomAD compares: Non-Finnish European, 0.00051%; no homozygotes.

Submissions (2):

Ambry Genetics
Classification: Uncertain significance. Last evaluated: 2022-09-06. Review status: criteria provided, single submitter. Criteria: Ambry Variant Classification Scheme 2023. Collection method: clinical testing. Allele origin: germline.

Labcorp Genetics (formerly Invitae), Labcorp
Classification: Uncertain significance. Last evaluated: 2022-01-11. Review status: criteria provided, single submitter. Criteria: Invitae Variant Classification Sherloc (09022015). Collection method: clinical testing. Allele origin: germline.
Comment: This sequence change replaces methionine, which is neutral and non-polar, with leucine, which is neutral and non-polar, at codon 462 of the PLEKHM2 protein (p.Met462Leu). This variant is not present in population databases (gnomAD no frequency). This variant has not been reported in the literature in individuals affected with PLEKHM2-related conditions. Algorithms developed to predict the effect of missense changes on protein structure and function (SIFT, PolyPhen-2, Align-GVGD) all suggest that this variant is likely to be tolerated. In summary, the available evidence is currently insufficient to determine the role of this variant in disease. Therefore, it has been classified as a Variant of Uncertain Significance.